The following is an entry in ClinVar:

NM_015909.4(NBAS):c.6433-2A>G

Gene: NBAS (NBAS subunit of NRZ tethering complex; minus strand). Cytogenetic location: 2p24.3.
Variant type: single nucleotide variant.
Coding change: c.6433-2A>G on transcript NM_015909.4 (MANE Select); the canonical splice acceptor site of the intron before coding-DNA position 6433, A replaced by G.
Molecular consequence: splice acceptor variant.
Genome position (GRCh38, 1-based): chr2:15,190,405, T>C on the plus strand (A>G on the coding strand, the complement: NBAS is on the minus strand). VCF-style: chr2-15190405-T-C. GRCh37 (hg19) VCF-style: chr2-15330529-T-C.
Other names: c.[6433-2A>G] (NM_015909.4).
Identifiers: ClinVar variation 975151 (VCV000975151.8), dbSNP rs200365734, ClinGen allele CA43165184.

ClinVar aggregate classification (germline): Likely pathogenic. Review status: criteria provided, single submitter (1 of 4 stars). 2 submissions from 2 submitters: Likely pathogenic (1). 1 of the submissions does not count toward it. Last evaluated 2025-10-16.

Conditions:
Short stature-optic atrophy-Pelger-Huët anomaly syndrome. Also called: Short stature, optic nerve atrophy, and Pelger-Huet anomaly; Short stature-optic atrophy-Pelger-HuC+t anomaly syndrome. Identifiers: Orphanet 391677, MedGen C3541319, MONDO:0013889, OMIM 614800.
Infantile liver failure syndrome 2 (ILFS2). Identifiers: MedGen C3809651, MONDO:0014659, OMIM 616483.

Allele frequency attached by ClinVar (database versions not stated): gnomAD exomes below 0.00001; gnomAD 0.00002; TOPMed 0.00002.
gnomAD v4.1: 6 of 1,613,750 alleles (0.00037%); highest among the groups gnomAD compares: African/African-American, 0.0053%; no homozygotes.

Submissions (2):

Labcorp Genetics (formerly Invitae), Labcorp
Classification: Likely pathogenic. Last evaluated: 2025-10-16. Review status: criteria provided, single submitter. Criteria: Invitae Variant Classification Sherloc (09022015). Collection method: clinical testing. Allele origin: germline.
Comment: This sequence change affects an acceptor splice site in intron 48 of the NBAS gene. It is expected to disrupt RNA splicing. Variants that disrupt the donor or acceptor splice site typically lead to a loss of protein function (PMID: 16199547), and loss-of-function variants in NBAS are known to be pathogenic (PMID: 26073778, 26541327, 27789416, 28031453). This variant is not present in population databases (gnomAD no frequency). Disruption of this splice site has been observed in individual(s) with NBAS deficiency (PMID: 32805445). In at least one individual the data is consistent with being in trans (on the opposite chromosome) from a pathogenic variant. ClinVar contains an entry for this variant (Variation ID: 975151). Studies have shown that disruption of this splice site is associated with altered splicing resulting in multiple RNA products (PMID: 32805445). In summary, the currently available evidence indicates that the variant is pathogenic, but additional data are needed to prove that conclusively. Therefore, this variant has been classified as Likely Pathogenic.

Department of Pediatrics, Asahikawa Medical University
Classification: Pathogenic for Short stature-optic atrophy-Pelger-Huët anomaly syndrome; Infantile liver failure syndrome 2. Last evaluated: 2020-06-01. Review status: no assertion criteria provided. Collection method: clinical testing, in vitro. Allele origin: germline, not applicable. Inheritance: Autosomal recessive inheritance. Affected: yes. Observed: 1 compound heterozygote. Not counted in ClinVar's aggregate classification.
Comment: Althoughthe c.[6433-2A>G] is in the dbSNP 153 database (rs200365734), it has not been described in the literature and its frequency is extremely low (4/125568, 0.000032). Western blot analysis of cultured fibroblasts showed that the patientâ€™s NBAS protein level was significantly lower than that of the subject. mRNA expression analysis revealed that the c.[6433-2A>G] variant causes the loss of an original acceptor splice site at position âˆ’2 in intron 49 of the NBAS gene and consequently activates two cryptic splice sites in intron 49 and exon 50. One results in the inclusion of the intron 49 fragment, r.[6432_6433ins6433-39_6433-2] , and the other results in the removal of the exon 50 fragment, r.6433_29del. The corresponding predicted consequences at the protein level are an in-frame deletion/insertion, p.(Ile2199_Asn2202delins16), and a premature termination codon, p.(Ile2199Tyrfs*17), respectively. In summary, the c.[6433-2A>G] variant meets our criteria to be classified as pathogenic based upon segregation studies, extremely rare in controls, and functional evidence.

Literature cited by the submitters: PubMed 16199547 (cited by Labcorp Genetics (formerly Invitae), Labcorp); PubMed 26073778 (cited by Labcorp Genetics (formerly Invitae), Labcorp); PubMed 26541327 (cited by Labcorp Genetics (formerly Invitae), Labcorp); PubMed 27789416 (cited by Labcorp Genetics (formerly Invitae), Labcorp); PubMed 28031453 (cited by Labcorp Genetics (formerly Invitae), Labcorp); PubMed 32805445 (cited by Labcorp Genetics (formerly Invitae), Labcorp).